The following is an entry in ClinVar:

NM_015874.6(RBPJ):c.1325G>A (p.Ser442Asn)

Gene: RBPJ (recombination signal binding protein for immunoglobulin kappa J region; plus strand). Cytogenetic location: 4p15.2.
Variant type: single nucleotide variant.
Coding change: c.1325G>A on transcript NM_015874.6 (MANE Select); coding-DNA position 1325, G replaced by A.
Protein change: p.Ser442Asn; replaces serine 442 with asparagine.
Molecular consequence: missense variant.
Genome position (GRCh38, 1-based): chr4:26,430,868, G>A. VCF-style: chr4-26430868-G-A. GRCh37 (hg19) VCF-style: chr4-26432490-G-A.
Other names: c.1259G>A, p.Ser420Asn (NM_001363577.2, NM_203283.5); c.1364G>A, p.Ser455Asn (NM_001374400.1, NM_005349.4); c.1322G>A, p.Ser441Asn (NM_001374401.1, NM_001374402.1, NM_001374403.1 and 3 more transcripts); c.1208G>A, p.Ser403Asn (NM_001379408.1); c.1163G>A, p.Ser388Asn (NM_001379409.1); short protein forms S388N, S403N, S420N, S441N, S442N, S455N.
Identifiers: ClinVar variation 2632742 (VCV002632742.1), dbSNP rs2475374172, ClinGen allele CA356672504.

ClinVar aggregate classification (germline): Uncertain significance (1 of 4 stars; one submission).

Conditions:
RBPJ-related disorder. Also called: RBPJ-related condition.

Submission:

PreventionGenetics, part of Exact Sciences
Classification: Uncertain significance for RBPJ-related condition. Last evaluated: 2023-04-26. Review status: criteria provided, single submitter. Criteria: ACMG Guidelines, 2015. Collection method: clinical testing. Allele origin: germline.
Comment: The RBPJ c.1364G>A variant is predicted to result in the amino acid substitution p.Ser455Asn. To our knowledge, this variant has not been reported in the literature or in a large population database, indicating this variant is rare. At this time, the clinical significance of this variant is uncertain due to the absence of conclusive functional and genetic evidence.